The following is an entry in ClinVar:

ClinVar aggregate classification (germline): Uncertain significance (1 of 4 stars; one submission).

Allele frequency attached by ClinVar (database versions not stated): gnomAD exomes 0.00001; gnomAD 0.00002; ExAC 0.00003; 1000 Genomes Project 30x 0.00016; 1000 Genomes Project 0.00020.
gnomAD v4.1: 22 of 1,614,058 alleles (0.0014%); highest among the groups gnomAD compares: South Asian, 0.0055%; no homozygotes.

Submission:

Labcorp Genetics (formerly Invitae), Labcorp
Classification: Uncertain significance. Last evaluated: 2024-06-17. Review status: criteria provided, single submitter. Criteria: Invitae Variant Classification Sherloc (09022015). Collection method: clinical testing. Allele origin: germline.
Comment: This sequence change replaces arginine, which is basic and polar, with glutamine, which is neutral and polar, at codon 1502 of the KMT2A protein (p.Arg1502Gln). This variant is present in population databases (rs551144488, gnomAD 0.003%). This variant has not been reported in the literature in individuals affected with KMT2A-related conditions. Advanced modeling of protein sequence and biophysical properties (such as structural, functional, and spatial information, amino acid conservation, physicochemical variation, residue mobility, and thermodynamic stability) has been performed at Invitae for this missense variant, however the output from this modeling did not meet the statistical confidence thresholds required to predict the impact of this variant on KMT2A protein function. In summary, the available evidence is currently insufficient to determine the role of this variant in disease. Therefore, it has been classified as a Variant of Uncertain Significance.

NM_001197104.2(KMT2A):c.4505G>A (p.Arg1502Gln)

Gene: KMT2A (lysine methyltransferase 2A; plus strand). Cytogenetic location: 11q23.3.
Variant type: single nucleotide variant.
Coding change: c.4505G>A on transcript NM_001197104.2 (MANE Select); coding-DNA position 4505, G replaced by A.
Protein change: p.Arg1502Gln; replaces arginine 1502 with glutamine.
Molecular consequence: missense variant.
Genome position (GRCh38, 1-based): chr11:118,489,817, G>A. VCF-style: chr11-118489817-G-A. GRCh37 (hg19) VCF-style: chr11-118360532-G-A.
Other names: c.4604G>A, p.Arg1535Gln (NM_001412597.1); c.4505G>A, p.Arg1502Gln (NM_005933.4); short protein forms R1502Q, R1535Q.
Identifiers: ClinVar variation 2968456 (VCV002968456.3), dbSNP rs551144488, ClinGen allele CA6303891.